The following is an entry in ClinVar:

ClinVar aggregate classification (germline): Uncertain significance. Review status: criteria provided, multiple submitters, no conflicts (2 of 4 stars). 2 submissions from 2 submitters: Uncertain significance (2). Last evaluated 2023-08-10.

Conditions:
Inborn genetic diseases. Identifiers: MedGen C0950123, MeSH D030342.
Bardet-Biedl syndrome (BBS). Identifiers: Orphanet 110, MedGen C0752166, MONDO:0015229.

Allele frequency attached by ClinVar (database versions not stated): gnomAD 0.00001; TOPMed 0.00001.
gnomAD v4.1: 23 of 1,614,092 alleles (0.0014%); highest among the groups gnomAD compares: Non-Finnish European, 0.0018%; no homozygotes.

Submissions (2):

Ambry Genetics
Classification: Uncertain significance for Inborn genetic diseases. Last evaluated: 2023-08-10. Review status: criteria provided, single submitter. Criteria: Ambry Variant Classification Scheme 2023. Collection method: clinical testing. Allele origin: germline.

Labcorp Genetics (formerly Invitae), Labcorp
Classification: Uncertain significance for Bardet-Biedl syndrome. Last evaluated: 2022-09-07. Review status: criteria provided, single submitter. Criteria: Invitae Variant Classification Sherloc (09022015). Collection method: clinical testing. Allele origin: germline.
Comment: This sequence change replaces histidine, which is basic and polar, with tyrosine, which is neutral and polar, at codon 236 of the BBS12 protein (p.His236Tyr). This variant is present in population databases (no rsID available, gnomAD 0.002%). This variant has not been reported in the literature in individuals affected with BBS12-related conditions. Algorithms developed to predict the effect of missense changes on protein structure and function are either unavailable or do not agree on the potential impact of this missense change (SIFT: "Deleterious"; PolyPhen-2: "Probably Damaging"; Align-GVGD: "Class C0"). Algorithms developed to predict the effect of sequence changes on RNA splicing suggest that this variant may create or strengthen a splice site. In summary, the available evidence is currently insufficient to determine the role of this variant in disease. Therefore, it has been classified as a Variant of Uncertain Significance.

NM_152618.3(BBS12):c.706C>T (p.His236Tyr)

Gene: BBS12 (Bardet-Biedl syndrome 12; plus strand). Cytogenetic location: 4q27.
Variant type: single nucleotide variant.
Coding change: c.706C>T on transcript NM_152618.3 (MANE Select); coding-DNA position 706, C replaced by T.
Protein change: p.His236Tyr; replaces histidine 236 with tyrosine.
Molecular consequence: missense variant.
Genome position (GRCh38, 1-based): chr4:122,742,598, C>T. VCF-style: chr4-122742598-C-T. GRCh37 (hg19) VCF-style: chr4-123663753-C-T.
Other names: c.706C>T (NM_152618.2); c.706C>T, p.His236Tyr (NM_001178007.2); short protein forms H236Y.
Identifiers: ClinVar variation 2150706 (VCV002150706.3), dbSNP rs1202469550, ClinGen allele CA358223512.
Genomic context (GRCh38, chr4:122,742,598, plus strand): 5'-CTGAAAAACAGCCTGCTTGCAGATACCTGCTGCAGACAGTCAATACTAATCCACAGTAGG[C>T]ATTTTAATAGGACAGATAATACTGAAGGGGTAAGCAAACCAGATGGATTTCAAGAACATG-3'
Protein context (NP_689831.2, residues 226-246): CRQSILIHSR[His236Tyr]FNRTDNTEGV